The following is an entry in ClinVar:

NM_003235.5(TG):c.1011del (p.Trp337fs)

Gene: TG (thyroglobulin; plus strand). Cytogenetic location: 8q24.22.
Variant type: Deletion.
Coding change: c.1011del on transcript NM_003235.5 (MANE Select); coding-DNA position 1011, one base deleted (G; older notation c.1011delG).
Protein change: p.Trp337fs; shifts the reading frame from tryptophan 337.
Molecular consequence: frameshift variant.
Genome position (GRCh38, 1-based): chr8:132,882,935, G deleted; the last of 2 consecutive G bases (chr8:132,882,934-132,882,935); deleting either gives the same sequence. VCF-style (leftmost placement, unchanged base first): chr8-132882933-TG-T. GRCh37 (hg19) VCF-style: chr8-133895178-TG-T.
Other names: short protein forms W337fs.
Identifiers: ClinVar variation 2835981 (VCV002835981.3), dbSNP rs2489737917, ClinGen allele CA2739268983.

ClinVar aggregate classification (germline): Pathogenic (1 of 4 stars; one submission).

Submission:

Labcorp Genetics (formerly Invitae), Labcorp
Classification: Pathogenic. Last evaluated: 2023-02-10. Review status: criteria provided, single submitter. Criteria: Invitae Variant Classification Sherloc (09022015). Collection method: clinical testing. Allele origin: germline.
Comment: This sequence change creates a premature translational stop signal (p.Trp337Cysfs*65) in the TG gene. It is expected to result in an absent or disrupted protein product. Loss-of-function variants in TG are known to be pathogenic (PMID: 19837936, 23164529). This variant is not present in population databases (gnomAD no frequency). This variant has not been reported in the literature in individuals affected with TG-related conditions. Algorithms developed to predict the effect of sequence changes on RNA splicing suggest that this variant may disrupt the consensus splice site. For these reasons, this variant has been classified as Pathogenic.

Literature cited by the submitters: PubMed 19837936; PubMed 23164529.